The following is an entry in ClinVar:

ClinVar aggregate classification (germline): Uncertain significance. Review status: criteria provided, multiple submitters, no conflicts (2 of 4 stars). 2 submissions from 2 submitters: Uncertain significance (2). Last evaluated 2023-03-04.

Conditions:
Catecholaminergic polymorphic ventricular tachycardia (CVPT). Also called: Catecholamine-induced polymorphic ventricular tachycardia. Identifiers: Orphanet 3286, MedGen C5574922, MONDO:0017990.
Cardiomyopathy (CMYO). Also called: Cardiomyopathies. Identifiers: Orphanet 167848, MedGen C0878544, MONDO:0004994, HP:0001638. Inheritance: Various modes of inheritance.

Submissions (2):

All of Us Research Program, National Institutes of Health
Classification: Uncertain significance for Catecholaminergic polymorphic ventricular tachycardia. Last evaluated: 2023-03-04. Review status: criteria provided, single submitter. Criteria: ACMG Guidelines, 2015. Collection method: clinical testing. Allele origin: germline. Inheritance: Autosomal dominant inheritance. Observed: 1 variant allele, 1 heterozygote.
Comment: This variant changes 1 nucleotide in exon 85 of the RYR2 gene, creating a premature translation stop signal. This variant is expected to result in an absent or non-functional protein product. To our knowledge, this variant has not been reported in individuals affected with cardiovascular disorders in the literature. This variant has not been identified in the general population by the Genome Aggregation Database (gnomAD). Clinical relevance of loss-of-function truncation and splice variants in the RYR2 gene is not clearly established. The available evidence is insufficient to determine the role of this variant in disease conclusively. Therefore, this variant is classified as a Variant of Uncertain Significance.

This study involves interpretation of variants in research participants for the purpose of population health screening. Participant phenotype was not available at the time of variant classification. Additional details can be found in publication PMID: 35346344, PMCID: PMC8962531

Color Diagnostics, LLC DBA Color Health
Classification: Uncertain significance for Cardiomyopathy. Last evaluated: 2021-07-14. Review status: criteria provided, single submitter. Criteria: ACMG Guidelines, 2015. Collection method: clinical testing. Allele origin: germline.
Comment: This variant changes 1 nucleotide in exon 85 of the RYR2 gene, creating a premature translation stop signal. This variant is expected to result in an absent or non-functional protein product. To our knowledge, this variant has not been reported in individuals affected with cardiovascular disorders in the literature. This variant has not been identified in the general population by the Genome Aggregation Database (gnomAD). Clinical relevance of loss-of-function truncation and splice variants in the RYR2 gene is not clearly established. The available evidence is insufficient to determine the role of this variant in disease conclusively. Therefore, this variant is classified as a Variant of Uncertain Significance.

NM_001035.3(RYR2):c.11491C>T (p.Gln3831Ter)

Gene: RYR2 (ryanodine receptor 2; plus strand). Cytogenetic location: 1q43.
Variant type: single nucleotide variant.
Coding change: c.11491C>T on transcript NM_001035.3 (MANE Select); coding-DNA position 11491, C replaced by T.
Protein change: p.Gln3831Ter; replaces glutamine 3831 with a stop codon.
Molecular consequence: nonsense.
Genome position (GRCh38, 1-based): chr1:237,770,821, C>T. VCF-style: chr1-237770821-C-T. GRCh37 (hg19) VCF-style: chr1-237934121-C-T.
Other names: short protein forms Q3831*.
Identifiers: ClinVar variation 1332172 (VCV001332172.3), dbSNP rs2149310533, ClinGen allele CA345406633.